The following is an entry in ClinVar:

NM_002473.6(MYH9):c.4271A>T (p.Asp1424Val)

Gene: MYH9 (myosin heavy chain 9; minus strand). Cytogenetic location: 22q12.3.
Variant type: single nucleotide variant.
Coding change: c.4271A>T on transcript NM_002473.6 (MANE Select); coding-DNA position 4271, A replaced by T.
Protein change: p.Asp1424Val; replaces aspartic acid 1424 with valine.
Molecular consequence: missense variant.
Genome position (GRCh38, 1-based): chr22:36,292,059, T>A on the plus strand (A>T on the coding strand, the complement: MYH9 is on the minus strand). VCF-style: chr22-36292059-T-A. GRCh37 (hg19) VCF-style: chr22-36688105-T-A.
Other names: short protein forms D1424V.
Identifiers: ClinVar variation 1338501 (VCV001338501.4), dbSNP rs867593888, ClinGen allele CA411382340.

ClinVar aggregate classification (germline): Likely pathogenic (1 of 4 stars; one submission).

Submission:

Genetic Services Laboratory, University of Chicago
Classification: Likely pathogenic. Last evaluated: 2019-04-11. Review status: criteria provided, single submitter. Criteria: ACMG Guidelines, 2015. Collection method: clinical testing. Allele origin: germline. Affected: yes.
Comment: DNA sequence analysis of the MYH9 gene demonstrated a sequence change, c.4271A>T, in exon 31 that results in an amino acid change, p.Asp1424Val. The c.4271A>T sequence change is absent from large population databases such as ExAC and gnomAD. The p.Asp1424Val change affects a highly conserved amino acid residue located in a domain of the MYH9 protein that is known to be functional. The p.Asp1424Val substitution appears to be deleterious using several in-silico pathogenicity prediction tools (SIFT, PolyPhen2, Align GVGD, REVEL). This particular amino acid change does not appear to have been described in the literature in other patients with MYH9 related disorders, however, multiple other pathogenic sequence changes affecting the same amino acid residue (p.Asp1424His, p.Asp1424Asn, p.Asp1424Tyr, p.Asp1424Glu, p.Asp1424Gly) have been described in patients and families with MYH9-related disorders (Seri et al., 2000; Kunishma et al., 2001; Saposnik et al., 2014). This sequence change is the likely cause of this phenotype, however functional studies have not been performed to prove this conclusively.